The following is an entry in ClinVar:

ClinVar aggregate classification (germline): Benign. Review status: criteria provided, multiple submitters, no conflicts (2 of 4 stars). 10 submissions from 10 submitters: Benign (9). 1 of the submissions does not count toward it. Last evaluated 2026-02-02.

Conditions:
Galactosylceramide beta-galactosidase deficiency. Also called: GALACTOCEREBROSIDASE DEFICIENCY; GALC DEFICIENCY; GLOBOID CELL LEUKOENCEPHALOPATHY; Krabbe Disease; Leukodystrophy, Globoid Cell. Identifiers: Orphanet 487, MedGen C0023521, MONDO:0009499, OMIM 245200.

Allele frequency attached by ClinVar (database versions not stated): gnomAD exomes 0.00250 and 0.00635; ExAC 0.00757; ESP Exome Variant Server 0.02370; gnomAD 0.02392 and 0.02565; 1000 Genomes Project 0.02456; 1000 Genomes Project 30x 0.02670; TOPMed 0.02688.
gnomAD v4.1: 7,449 of 1,613,542 alleles (0.46%); highest among the groups gnomAD compares: African/African-American, 8.4%; 280 homozygotes.

Submissions (10):

Labcorp Genetics (formerly Invitae), Labcorp
Classification: Benign for Galactosylceramide beta-galactosidase deficiency. Last evaluated: 2026-02-02. Review status: criteria provided, single submitter. Criteria: Invitae Variant Classification Sherloc (09022015). Collection method: clinical testing. Allele origin: germline.

Blueprint Genetics
Classification: Benign. Last evaluated: 2024-11-27. Review status: criteria provided, single submitter. Criteria: ACMG Guidelines, 2015. Collection method: clinical testing. Allele origin: germline.

Fulgent Genetics
Classification: Benign for Galactosylceramide beta-galactosidase deficiency. Last evaluated: 2021-10-13. Review status: criteria provided, single submitter. Criteria: ACMG Guidelines, 2015. Collection method: clinical testing. Allele origin: unknown.

Mayo Clinic Laboratories, Mayo Clinic
Classification: Benign. Last evaluated: 2019-08-09. Review status: criteria provided, single submitter. Criteria: ACMG Guidelines, 2015. Collection method: clinical testing. Allele origin: germline. Observed: 29 variant alleles.

GeneDx
Classification: Benign. Last evaluated: 2019-07-01. Review status: criteria provided, single submitter. Criteria: GeneDx Variant Classification Process June 2021. Collection method: clinical testing. Allele origin: germline. Affected: yes.

Illumina Laboratory Services, Illumina
Classification: Benign for Galactosylceramide beta-galactosidase deficiency. Last evaluated: 2018-01-12. Review status: criteria provided, single submitter. Criteria: ICSL Variant Classification Criteria 13 December 2019. Collection method: clinical testing. Allele origin: germline.
Comment: This variant was observed in the ICSL laboratory as part of a predisposition screen in an ostensibly healthy population. It had not been previously curated by ICSL or reported in the Human Gene Mutation Database (HGMD: prior to June 1st, 2018), and was therefore a candidate for classification through an automated scoring system. Utilizing variant allele frequency, disease prevalence and penetrance estimates, and inheritance mode, an automated score was calculated to assess if this variant is too frequent to cause the disease. Based on the score and internal cut-off values, a variant classified as benign is not then subjected to further curation. The score for this variant resulted in a classification of benign for this disease.

Eurofins Ntd Llc (ga)
Classification: Benign. Last evaluated: 2017-01-31. Review status: criteria provided, single submitter. Criteria: EGL Classification Definitions 2015. Collection method: clinical testing. Allele origin: germline. Observed: 5 variant alleles, 5 heterozygotes.

Breakthrough Genomics
Classification: Benign. Review status: criteria provided, single submitter. Criteria: ACMG Guidelines, 2015. Collection method: not provided. Allele origin: germline. Inheritance: Autosomal recessive inheritance. Affected: yes.

PreventionGenetics, part of Exact Sciences
Classification: Benign. Review status: criteria provided, single submitter. Criteria: ACMG Guidelines, 2015. Collection method: clinical testing. Allele origin: germline.

Natera, Inc.
Classification: Benign for Galactosylceramide beta-galactosidase deficiency. Last evaluated: 2020-09-16. Review status: no assertion criteria provided. Collection method: clinical testing. Allele origin: germline. Not counted in ClinVar's aggregate classification.

NM_000153.4(GALC):c.397T>C (p.Leu133=)

Gene: GALC (galactosylceramidase; minus strand). Cytogenetic location: 14q31.3.
Variant type: single nucleotide variant.
Coding change: c.397T>C on transcript NM_000153.4 (MANE Select); coding-DNA position 397, T replaced by C.
Protein change: p.Leu133=; no amino-acid change (leucine 133 retained).
Molecular consequence: synonymous variant.
Genome position (GRCh38, 1-based): chr14:87,986,534, A>G on the plus strand (T>C on the coding strand, the complement: GALC is on the minus strand). VCF-style: chr14-87986534-A-G. GRCh37 (hg19) VCF-style: chr14-88452878-A-G.
Other names: p.Leu133=; c.328T>C, p.Leu110= (NM_001201401.2); c.319T>C, p.Leu107= (NM_001201402.2).
Identifiers: ClinVar variation 255376 (VCV000255376.26), dbSNP rs56194647, ClinGen allele CA7297398.